The following is an entry in ClinVar:

ClinVar aggregate classification (germline): Uncertain significance. Review status: criteria provided, multiple submitters, no conflicts (2 of 4 stars). 2 submissions from 2 submitters: Uncertain significance (2). Last evaluated 2022-12-25.

Submissions (2):

Labcorp Genetics (formerly Invitae), Labcorp
Classification: Uncertain significance. Last evaluated: 2022-12-25. Review status: criteria provided, single submitter. Criteria: Invitae Variant Classification Sherloc (09022015). Collection method: clinical testing. Allele origin: germline.
Comment: ClinVar contains an entry for this variant (Variation ID: 1699796). This variant has not been reported in the literature in individuals affected with COL11A1-related conditions. This variant is not present in population databases (gnomAD no frequency). This sequence change falls in intron 26 of the COL11A1 gene. It does not directly change the encoded amino acid sequence of the COL11A1 protein. It affects a nucleotide within the consensus splice site. Variants that disrupt the consensus splice site are a relatively common cause of aberrant splicing (PMID: 17576681, 9536098). Algorithms developed to predict the effect of sequence changes on RNA splicing suggest that this variant may disrupt the consensus splice site. In summary, the available evidence is currently insufficient to determine the role of this variant in disease. Therefore, it has been classified as a Variant of Uncertain Significance. This variant disrupts the c.2241G nucleotide in the COL11A1 gene. Other variant(s) that disrupt this nucleotide have been determined to be pathogenic (PMID: 29620724, 32552793, 33348901). This suggests that this nucleotide is clinically significant, and that variants that disrupt this position are likely to be disease-causing.

GeneDx
Classification: Uncertain significance. Last evaluated: 2022-01-28. Review status: criteria provided, single submitter. Criteria: GeneDx Variant Classification Process June 2021. Collection method: clinical testing. Allele origin: germline. Affected: yes.
Comment: Not observed at significant frequency in large population cohorts (gnomAD); Intronic +5 splice site variant in a gene for which loss-of-function is a known mechanism of disease, and both splice predictors and evolutionary conservation support a deleterious effect, although in the absence of functional evidence the actual effect of this sequence change is unknown.; Has not been previously published as pathogenic or benign to our knowledge

Literature cited by the submitters: PubMed 17576681 (cited by Labcorp Genetics (formerly Invitae), Labcorp); PubMed 9536098 (cited by Labcorp Genetics (formerly Invitae), Labcorp); PubMed 29620724 (cited by Labcorp Genetics (formerly Invitae), Labcorp); PubMed 32552793 (cited by Labcorp Genetics (formerly Invitae), Labcorp); PubMed 33348901 (cited by Labcorp Genetics (formerly Invitae), Labcorp).

NM_001854.4(COL11A1):c.2241+5G>C

Gene: COL11A1 (collagen type XI alpha 1 chain; minus strand). Cytogenetic location: 1p21.1.
Variant type: single nucleotide variant.
Coding change: c.2241+5G>C on transcript NM_001854.4 (MANE Select); 5 bases into the intron after coding-DNA position 2241, G replaced by C.
Molecular consequence: intron variant.
Genome position (GRCh38, 1-based): chr1:102,997,075, C>G on the plus strand (G>C on the coding strand, the complement: COL11A1 is on the minus strand). VCF-style: chr1-102997075-C-G. GRCh37 (hg19) VCF-style: chr1-103462631-C-G.
Other names: c.2124+5G>C (NM_001190709.2); c.2277+5G>C (NM_080629.3); c.1893+5G>C (NM_080630.4).
Identifiers: ClinVar variation 1699796 (VCV001699796.5), dbSNP rs2101800665, ClinGen allele CA2580060737.